The following is an entry in ClinVar:

ClinVar aggregate classification (germline): Pathogenic. Review status: reviewed by expert panel (3 of 4 stars). 11 submissions from 11 submitters: Pathogenic (1). 10 of the submissions do not count toward it. Last evaluated 2018-08-10.

Conditions:
PAH-related disorder. Also called: PAH-related condition.
Hyperphenylalaninemia. Also called: Hyperphenylalaninemia, non-pku; Hyperphenylalaninaemia; Hyperphenylalaninemia (HPA). Identifiers: MedGen C0751435, HP:0004923.
Phenylketonuria (PKU). Also called: OLIGOPHRENIA PHENYLPYRUVICA; FOLLING DISEASE; Phenylketonuria (PKU); Phenylketonurias. Identifiers: Orphanet 716, MedGen C0031485, MONDO:0009861, OMIM 261600. Disease mechanism: loss of function.

Allele frequency attached by ClinVar (database versions not stated): ExAC 0.00001; gnomAD exomes 0.00002 and 0.00003; gnomAD 0.00003; TOPMed 0.00003.
gnomAD v4.1: 46 of 1,613,220 alleles (0.0029%); highest among the groups gnomAD compares: Non-Finnish European, 0.0038%; no homozygotes.

Submissions (11):

ClinGen PAH Variant Curation Expert Panel
Classification: Pathogenic for Phenylketonuria. Last evaluated: 2018-08-10. Review status: reviewed by expert panel. Criteria: ClinGen PAH ACMG Specifications v1. Collection method: curation. Allele origin: germline. Inheritance: Autosomal recessive inheritance.
Comment: PAH-specific ACMG/AMP criteria applied: PM2: MAF = 2.0e-5; PP3: Software agrees on a damaging effect.; PS3: Mutation ID#1, 18% residual enzyme activity (PMID:18590700); PM3: I306V / F55L (pathogenic in ClinVar) in a single patient with mild HPA (PMID:18299955); PP4_Moderate: BH4 defect excluded in all patients--single patient with mild hyperphe (Bercovich, 2008). (PMID:18299955). In summary this variant meets criteria to be classified as pathogenic for phenylketonuria in an autosomal recessive manner based on the ACMG/AMP criteria applied as specified by the PAH Expert Panel: (PM2, PP3, PS3, PM3, PP4_Moderate).

Natera, Inc.
Classification: Pathogenic for Phenylketonuria. Last evaluated: 2025-11-10. Review status: criteria provided, single submitter. Criteria: Natera Variant Classification Schema (03/2026). Collection method: clinical testing. Allele origin: germline. Not counted in ClinVar's aggregate classification.
Comment: The c.916A>G variant in PAH is a missense variant predicted to cause substitution of isoleucine to valine at amino acid 306. This variant is rare in the general population with a frequency below the threshold expected for the associated phenotype(s). This variant has been observed in one or more individuals affected with the associated recessive disease, as either homozygous or compound heterozygous with a second variant (PMID: 26542770). Given the available evidence, this variant is classified as Pathogenic.

Labcorp Genetics (formerly Invitae), Labcorp
Classification: Pathogenic for Phenylketonuria. Last evaluated: 2024-10-22. Review status: criteria provided, single submitter. Criteria: Invitae Variant Classification Sherloc (09022015). Collection method: clinical testing. Allele origin: germline. Not counted in ClinVar's aggregate classification.
Comment: This sequence change replaces isoleucine, which is neutral and non-polar, with valine, which is neutral and non-polar, at codon 306 of the PAH protein (p.Ile306Val). This variant is present in population databases (rs62642934, gnomAD 0.003%). This missense change has been observed in individuals with PAH-related disease (PMID: 1358789, 18299955, 23430547, 23764561). ClinVar contains an entry for this variant (Variation ID: 618). Invitae Evidence Modeling of protein sequence and biophysical properties (such as structural, functional, and spatial information, amino acid conservation, physicochemical variation, residue mobility, and thermodynamic stability) indicates that this missense variant is not expected to disrupt PAH protein function with a negative predictive value of 80%. Experimental studies have shown that this missense change affects PAH function (PMID: 11161839, 17924342, 25596310). For these reasons, this variant has been classified as Pathogenic.

Blueprint Genetics
Classification: Pathogenic for PAH-related disorders. Last evaluated: 2024-04-25. Review status: criteria provided, single submitter. Criteria: ACMG Guidelines, 2015. Collection method: clinical testing. Allele origin: germline. Affected: yes. Observed: 5 variant alleles. Not counted in ClinVar's aggregate classification.

Department of Pathology and Laboratory Medicine, Sinai Health System
Classification: Pathogenic for Phenylketonuria. Last evaluated: 2022-06-28. Review status: criteria provided, single submitter. Criteria: ACMG Guidelines, 2015. Collection method: research. Allele origin: germline. Not counted in ClinVar's aggregate classification.

CeGaT Center for Human Genetics Tuebingen
Classification: Pathogenic. Last evaluated: 2019-06-01. Review status: criteria provided, single submitter. Criteria: CeGaT Center For Human Genetics Tuebingen Variant Classification Criteria Version 2. Collection method: clinical testing. Allele origin: germline. Affected: yes. Observed: 1 variant allele. Not counted in ClinVar's aggregate classification.

Women's Health and Genetics/Laboratory Corporation of America, LabCorp
Classification: Pathogenic for Phenylketonuria. Last evaluated: 2017-05-22. Review status: criteria provided, single submitter. Criteria: LabCorp Variant Classification Summary - May 2015. Collection method: clinical testing. Allele origin: germline. Not counted in ClinVar's aggregate classification.
Comment: Variant summary: The PAH c.916A>G (p.Ile306Val) variant involves the alteration of a conserved nucleotide. 4/5 in silico tools predict a damaging outcome for this variant. This variant was found in 1/121200 control chromosomes at a frequency of 0.0000083, which does not exceed the estimated maximal expected allele frequency of a pathogenic PAH variant (0.0079057). The variant was reported in numerous individuals in the literature, mainly associated with mild-PKU or hyperphenylalaninemia. In addition, in vitro assays show the variant to result in reduced PAH activity. Multiple clinical diagnostic laboratories/reputable databases classified this variant as likely pathogenic/pathogenic. Taken together, this variant is classified as pathogenic.

Fulgent Genetics
Classification: Likely pathogenic for Phenylketonuria. Last evaluated: 2017-05-18. Review status: criteria provided, single submitter. Criteria: ACMG Guidelines, 2015. Collection method: clinical testing. Allele origin: unknown. Not counted in ClinVar's aggregate classification.

Counsyl
Classification: Pathogenic for Phenylketonuria. Last evaluated: 2016-01-21. Review status: no assertion criteria provided. Collection method: clinical testing. Allele origin: unknown. Not counted in ClinVar's aggregate classification.

OMIM
Classification: Pathogenic for HYPERPHENYLALANINEMIA, NON-PKU. Last evaluated: 1992-09-01. Review status: no assertion criteria provided. Collection method: literature only. Allele origin: germline. Not counted in ClinVar's aggregate classification.

DeBelle Laboratory for Biochemical Genetics, MUHC/MCH RESEARCH INSTITUTE
No classification provided. Review status: no classification provided. Collection method: not provided. Allele origin: not provided. Not counted in ClinVar's aggregate classification.

Literature cited by the submitters: PubMed 18590700 (cited by ClinGen PAH Variant Curation Expert Panel and Counsyl); PubMed 18299955 (cited by 3 submitters); PubMed 26542770 (cited by Natera, Inc.); PubMed 1358789 (cited by 3 submitters); PubMed 23430547 (cited by Labcorp Genetics (formerly Invitae), Labcorp); PubMed 23764561 (cited by 3 submitters); PubMed 11161839 (cited by Labcorp Genetics (formerly Invitae), Labcorp and Women's Health and Genetics/Laboratory Corporation of America, LabCorp); PubMed 17924342 (cited by Labcorp Genetics (formerly Invitae), Labcorp); PubMed 25596310 (cited by Labcorp Genetics (formerly Invitae), Labcorp); PubMed 23357515 (cited by Women's Health and Genetics/Laboratory Corporation of America, LabCorp and Counsyl); PubMed 24350308 (cited by Women's Health and Genetics/Laboratory Corporation of America, LabCorp and Counsyl); PubMed 12655553 (cited by Counsyl); PubMed 23792259 (cited by Counsyl); PubMed 19444284 (cited by Counsyl); PubMed 15171997 (cited by Counsyl); PubMed 19292873 (cited by Counsyl); PubMed 19062537 (cited by Counsyl); PubMed 23430918 (cited by Counsyl); PubMed 19394257 (cited by Counsyl); PubMed 11678552 (cited by Counsyl); PubMed 22526846 (cited by Counsyl); PubMed 16879198 (cited by Counsyl); PubMed 9634518 (cited by Counsyl).

NM_000277.3(PAH):c.916A>G (p.Ile306Val)

Gene: PAH (phenylalanine hydroxylase; minus strand). Cytogenetic location: 12q23.2.
Variant type: single nucleotide variant.
Coding change: c.916A>G on transcript NM_000277.3 (MANE Select); coding-DNA position 916, A replaced by G.
Protein change: p.Ile306Val; replaces isoleucine 306 with valine.
Molecular consequence: missense variant.
Genome position (GRCh38, 1-based): chr12:102,846,948, T>C on the plus strand (A>G on the coding strand, the complement: PAH is on the minus strand). VCF-style: chr12-102846948-T-C. GRCh37 (hg19) VCF-style: chr12-103240726-T-C.
Other names: NM_000277.1(PAH):c.916A>G; c.916A>G, p.Ile306Val (NM_001354304.2); c.916A>G (NM_000277.2); short protein forms I306V.
Identifiers: ClinVar variation 618 (VCV000000618.60), dbSNP rs62642934, ClinGen allele CA114365.